The following is an entry in ClinVar:

GRCh37/hg19 1q21.1-21.2(chr1:146577645-147391923)x3

Genes: ACP6 (acid phosphatase 6, lysophosphatidic; minus strand), BCL9 (BCL9 transcription coactivator; plus strand), CHD1L (chromodomain helicase DNA binding protein 1 like; plus strand), FMO5 (flavin containing dimethylaniline monoxygenase 5; minus strand), GJA5 (gap junction protein alpha 5; minus strand) and 2 more. Cytogenetic location: 1q21.1-21.2.
Variant type: copy number gain.
Change: copy number 3 (three copies instead of two) of chr1:146,577,645-147,391,923 (814.3 kb, GRCh37 coordinates, 1-based), cytogenetic band 1q21.1-21.2.
Identifiers: ClinVar variation 2685826 (VCV002685826.1).

ClinVar aggregate classification (germline): Pathogenic (1 of 4 stars; one submission).

Submission:

Quest Diagnostics Nichols Institute San Juan Capistrano
Classification: Pathogenic. Last evaluated: 2023-03-20. Review status: criteria provided, single submitter. Criteria: ACMG/ClinGen CNV Guidelines, 2019. Collection method: clinical testing. Allele origin: unknown.
Comment: This copy number gain involves multiple genes, and is associated with the distal (BP3-BP4) 1q21.1 duplication syndrome (OMIM 612475). De novo and inherited duplications of this locus have been associated with a highly variable phenotype (Bernier 2016, Buse 2017). Inheritance from a normal or mildly affected parent has been reported, suggesting incomplete penetrance and variable expressivity. Thus, based on current medical literature and gene content, this copy number variant (CNV) is classified as pathogenic. See GeneReviews for additional information and references:, go to: Genetically Related (Allelic) Disorders. References: Bernier et al. Genet Med. 2016 Apr;18(4):341-9. PMID: 26066539; Buse et al. Ital J Pediatr. 2017 Jul 19;43(1):61. PMID: 28724436